The following is an entry in ClinVar:

NM_018946.4(NANS):c.464T>C (p.Ile155Thr)

Genes: NANS (N-acetylneuraminate synthase; plus strand), TRIM14 (tripartite motif containing 14; minus strand). Cytogenetic location: 9q22.33.
Variant type: single nucleotide variant.
Coding change: c.464T>C on transcript NM_018946.4 (MANE Select); coding-DNA position 464, T replaced by C.
Protein change: p.Ile155Thr; replaces isoleucine 155 with threonine.
Molecular consequence: missense variant.
Genome position (GRCh38, 1-based): chr9:98,078,208, T>C. VCF-style: chr9-98078208-T-C. GRCh37 (hg19) VCF-style: chr9-100840490-T-C.
Other names: short protein forms I155T.
Identifiers: ClinVar variation 1352183 (VCV001352183.6), dbSNP rs1829679718, ClinGen allele CA374198458.

ClinVar aggregate classification (germline): Uncertain significance (1 of 4 stars; one submission).

Allele frequency attached by ClinVar (database versions not stated): TOPMed below 0.00001.

Submission:

Labcorp Genetics (formerly Invitae), Labcorp
Classification: Uncertain significance. Last evaluated: 2023-07-10. Review status: criteria provided, single submitter. Criteria: Invitae Variant Classification Sherloc (09022015). Collection method: clinical testing. Allele origin: germline.
Comment: This sequence change replaces isoleucine, which is neutral and non-polar, with threonine, which is neutral and polar, at codon 155 of the NANS protein (p.Ile155Thr). This variant is not present in population databases (gnomAD no frequency). This variant has not been reported in the literature in individuals affected with NANS-related conditions. ClinVar contains an entry for this variant (Variation ID: 1352183). An algorithm developed to predict the effect of missense changes on protein structure and function (PolyPhen-2) suggests that this variant is likely to be disruptive. In summary, the available evidence is currently insufficient to determine the role of this variant in disease. Therefore, it has been classified as a Variant of Uncertain Significance.